The following is an entry in ClinVar:

ClinVar aggregate classification (germline): Uncertain significance (1 of 4 stars; one submission).

gnomAD v4.1: 11 of 1,613,818 alleles (0.00068%); highest among the groups gnomAD compares: Non-Finnish European, 0.00076%; no homozygotes.

Submission:

Labcorp Genetics (formerly Invitae), Labcorp
Classification: Uncertain significance. Last evaluated: 2024-05-09. Review status: criteria provided, single submitter. Criteria: Invitae Variant Classification Sherloc (09022015). Collection method: clinical testing. Allele origin: germline.
Comment: This sequence change replaces arginine, which is basic and polar, with serine, which is neutral and polar, at codon 92 of the CARMIL2 protein (p.Arg92Ser). This variant is present in population databases (rs749872588, gnomAD 0.002%). This variant has not been reported in the literature in individuals affected with CARMIL2-related conditions. An algorithm developed to predict the effect of missense changes on protein structure and function (PolyPhen-2) suggests that this variant is likely to be tolerated. In summary, the available evidence is currently insufficient to determine the role of this variant in disease. Therefore, it has been classified as a Variant of Uncertain Significance.

NM_001013838.3(CARMIL2):c.274C>A (p.Arg92Ser)

Gene: CARMIL2 (capping protein regulator and myosin 1 linker 2; plus strand). Cytogenetic location: 16q22.1.
Variant type: single nucleotide variant.
Coding change: c.274C>A on transcript NM_001013838.3 (MANE Select); coding-DNA position 274, C replaced by A.
Protein change: p.Arg92Ser; replaces arginine 92 with serine.
Molecular consequence: missense variant.
Genome position (GRCh38, 1-based): chr16:67,646,210, C>A. VCF-style: chr16-67646210-C-A. GRCh37 (hg19) VCF-style: chr16-67680113-C-A.
Other names: c.274C>A, p.Arg92Ser (NM_001317026.3); short protein forms R92S.
Identifiers: ClinVar variation 3712468 (VCV003712468.2).